The following is an entry in ClinVar:

NC_000017.10:g.(?_41199640)_(41199745_?)dup

Gene: BRCA1 (BRCA1 DNA repair associated; minus strand). Cytogenetic location: 17q21.31.
Variant type: Duplication.
Identifiers: ClinVar variation 3242999 (VCV003242999.1).

ClinVar aggregate classification (germline): Uncertain significance (1 of 4 stars; one submission).

Conditions:
Hereditary breast ovarian cancer syndrome. Also called: Hereditary breast and ovarian cancer syndrome; Hereditary breast and ovarian cancer; Hereditary breast and ovarian cancer syndrome (HBOC); Breast and ovarian cancer; Hereditary breast and/or ovarian cancer syndrome; BRCA1- and BRCA2-Associated Hereditary Breast and Ovarian Cancer. Identifiers: Orphanet 145, MedGen C0677776, MeSH D061325, MONDO:0003582. Disease mechanism: loss of function.

Submission:

Labcorp Genetics (formerly Invitae), Labcorp
Classification: Uncertain significance for Hereditary breast ovarian cancer syndrome. Last evaluated: 2023-07-29. Review status: criteria provided, single submitter. Criteria: Invitae Variant Classification Sherloc (09022015). Collection method: clinical testing. Allele origin: unknown.
Comment: In summary, the available evidence is currently insufficient to determine the role of this variant in disease. Therefore, it has been classified as a Variant of Uncertain Significance. A similar copy number variant has been observed in individual(s) with breast cancer (PMID: 23879077). This variant results in a copy number gain of the genomic region encompassing exon(s) 22 of the BRCA1 gene. While the exact position of this variant cannot be determined from the data, sub-genic copy number gains are generally in tandem (PMID: 25640679). This variant is predicted to be in-frame, and likely preserves the integrity of the reading frame.

Literature cited by the submitters: PubMed 23879077; PubMed 25640679.